The following is an entry in ClinVar:

NM_001042492.3(NF1):c.3198A>T (p.Arg1066Ser)

Gene: NF1 (neurofibromin 1; plus strand). Cytogenetic location: 17q11.2.
Variant type: single nucleotide variant.
Coding change: c.3198A>T on transcript NM_001042492.3 (MANE Select); coding-DNA position 3198, A replaced by T.
Protein change: p.Arg1066Ser; replaces arginine 1066 with serine.
Molecular consequence: missense variant.
Genome position (GRCh38, 1-based): chr17:31,232,073, A>T. VCF-style: chr17-31232073-A-T. GRCh37 (hg19) VCF-style: chr17-29559091-A-T.
Other names: c.3198A>T, p.Arg1066Ser (NM_000267.4); short protein forms R1066S.
Identifiers: ClinVar variation 933765 (VCV000933765.6), dbSNP rs864622469, ClinGen allele CA398988509.

ClinVar aggregate classification (germline): Uncertain significance (1 of 4 stars; one submission).

Conditions:
Neurofibromatosis, type 1 (NF1). Also called: VON RECKLINGHAUSEN DISEASE; Peripheral type neurofibromatosis; Neurofibromatosis, type I; NEUROFIBROMATOSIS, TYPE I, SOMATIC. Identifiers: Orphanet 636, MedGen C0027831, MONDO:0018975, OMIM 162200. Disease mechanism: loss of function.

Submission:

Labcorp Genetics (formerly Invitae), Labcorp
Classification: Uncertain significance for Neurofibromatosis, type 1. Last evaluated: 2019-07-15. Review status: criteria provided, single submitter. Criteria: Invitae Variant Classification Sherloc (09022015). Collection method: clinical testing. Allele origin: germline.
Comment: This sequence change replaces arginine with serine at codon 1066 of the NF1 protein (p.Arg1066Ser). The arginine residue is moderately conserved and there is a moderate physicochemical difference between arginine and serine. In summary, the available evidence is currently insufficient to determine the role of this variant in disease. Therefore, it has been classified as a Variant of Uncertain Significance. Algorithms developed to predict the effect of missense changes on protein structure and function do not agree on the potential impact of this missense change (SIFT: "Deleterious"; PolyPhen-2: "Probably Damaging"; Align-GVGD: "Class C0"). This variant has not been reported in the literature in individuals with NF1-related disease. This variant is not present in population databases (ExAC no frequency).